The following is an entry in ClinVar:

NM_000135.4(FANCA):c.801T>C (p.Val267=)

Gene: FANCA (FA complementation group A; minus strand). Cytogenetic location: 16q24.3.
Variant type: single nucleotide variant.
Coding change: c.801T>C on transcript NM_000135.4 (MANE Select); coding-DNA position 801, T replaced by C.
Protein change: p.Val267=; no amino-acid change (valine 267 retained).
Molecular consequence: synonymous variant.
Genome position (GRCh38, 1-based): chr16:89,799,630, A>G on the plus strand (T>C on the coding strand, the complement: FANCA is on the minus strand). VCF-style: chr16-89799630-A-G. GRCh37 (hg19) VCF-style: chr16-89866038-A-G.
Other names: c.801T>C (NM_000135.3); c.801T>C, p.Val267= (NM_001018112.3, NM_001286167.3); c.705T>C, p.Val235= (NM_001351830.2).
Identifiers: ClinVar variation 702690 (VCV000702690.15), dbSNP rs55660936, ClinGen allele CA8252769.

ClinVar aggregate classification (germline): Benign/Likely benign. Review status: criteria provided, multiple submitters, no conflicts (2 of 4 stars). 4 submissions from 4 submitters: Benign (1); Likely benign (2). 1 of the submissions does not count toward it. Last evaluated 2025-09-17.

Conditions:
Fanconi anemia complementation group A (FANCA). Also called: Fanconi anemia, group A; FANCA-Related Fanconi Anemia. Identifiers: Orphanet 84, MedGen C3469521, MONDO:0009215, OMIM 227650.
FANCA-related disorder. Also called: FANCA-related condition.
Fanconi anemia (FA). Also called: Fanconi's anemia. Identifiers: Orphanet 84, MedGen C0015625, MeSH D005199, MONDO:0019391.

Allele frequency attached by ClinVar (database versions not stated): gnomAD exomes 0.00002 and 0.00006; ExAC 0.00007; ESP Exome Variant Server 0.00015; 1000 Genomes Project 30x 0.00016; 1000 Genomes Project 0.00020; TOPMed 0.00022; gnomAD 0.00025 and 0.00028.
gnomAD v4.1: 60 of 1,613,330 alleles (0.0037%); highest among the groups gnomAD compares: African/African-American, 0.077%; 1 homozygote.

Submissions (4):

Quest Diagnostics Nichols Institute San Juan Capistrano
Classification: Benign. Last evaluated: 2025-09-17. Review status: criteria provided, single submitter. Criteria: Quest Diagnostics criteria. Collection method: clinical testing. Allele origin: unknown.

Labcorp Genetics (formerly Invitae), Labcorp
Classification: Likely benign for Fanconi anemia. Last evaluated: 2025-08-17. Review status: criteria provided, single submitter. Criteria: Invitae Variant Classification Sherloc (09022015). Collection method: clinical testing. Allele origin: germline.

Fulgent Genetics
Classification: Likely benign for Fanconi anemia complementation group A. Last evaluated: 2021-12-01. Review status: criteria provided, single submitter. Criteria: ACMG Guidelines, 2015. Collection method: clinical testing. Allele origin: unknown.

PreventionGenetics, part of Exact Sciences
Classification: Likely benign for FANCA-related condition. Last evaluated: 2019-03-26. Review status: no assertion criteria provided. Collection method: clinical testing. Allele origin: germline. Not counted in ClinVar's aggregate classification.
Comment: This variant is classified as likely benign based on ACMG/AMP sequence variant interpretation guidelines (Richards et al. 2015 PMID: 25741868, with internal and published modifications).